The following is an entry in ClinVar:

NM_020937.4(FANCM):c.1948G>A (p.Glu650Lys)

Gene: FANCM (FA complementation group M; plus strand). Cytogenetic location: 14q21.2.
Variant type: single nucleotide variant.
Coding change: c.1948G>A on transcript NM_020937.4 (MANE Select); coding-DNA position 1948, G replaced by A.
Protein change: p.Glu650Lys; replaces glutamic acid 650 with lysine.
Molecular consequence: missense variant.
Genome position (GRCh38, 1-based): chr14:45,167,109, G>A. VCF-style: chr14-45167109-G-A. GRCh37 (hg19) VCF-style: chr14-45636312-G-A.
Other names: c.1948G>A (NM_020937.2); c.1870G>A, p.Glu624Lys (NM_001308133.2); c.1948G>A, p.Glu650Lys (NM_001308134.2); short protein forms E650K, E624K.
Identifiers: ClinVar variation 1485931 (VCV001485931.10), dbSNP rs763357840, ClinGen allele CA7169187.

ClinVar aggregate classification (germline): Uncertain significance. Review status: criteria provided, multiple submitters, no conflicts (2 of 4 stars). 3 submissions from 3 submitters: Uncertain significance (3). Last evaluated 2024-07-08.

Conditions:
Spermatogenic failure 28. Identifiers: MedGen C4748117, MONDO:0054732, OMIM 618086.
Premature ovarian failure 15. Identifiers: MedGen C4748170, MONDO:0054862, OMIM 618096.
Fanconi anemia (FA). Also called: Fanconi's anemia. Identifiers: Orphanet 84, MedGen C0015625, MeSH D005199, MONDO:0019391.

Allele frequency attached by ClinVar (database versions not stated): gnomAD exomes below 0.00001 and 0.00001; ExAC 0.00001; gnomAD 0.00001; TOPMed 0.00002.

Submissions (3):

Labcorp Genetics (formerly Invitae), Labcorp
Classification: Uncertain significance for Fanconi anemia. Last evaluated: 2024-07-08. Review status: criteria provided, single submitter. Criteria: Invitae Variant Classification Sherloc (09022015). Collection method: clinical testing. Allele origin: germline.
Comment: This sequence change replaces glutamic acid, which is acidic and polar, with lysine, which is basic and polar, at codon 650 of the FANCM protein (p.Glu650Lys). This variant is present in population databases (rs763357840, gnomAD 0.0009%). This variant has not been reported in the literature in individuals affected with FANCM-related conditions. ClinVar contains an entry for this variant (Variation ID: 1485931). An algorithm developed to predict the effect of missense changes on protein structure and function (PolyPhen-2) suggests that this variant is likely to be tolerated. In summary, the available evidence is currently insufficient to determine the role of this variant in disease. Therefore, it has been classified as a Variant of Uncertain Significance.

GeneDx
Classification: Uncertain significance. Last evaluated: 2022-10-07. Review status: criteria provided, single submitter. Criteria: GeneDx Variant Classification Process June 2021. Collection method: clinical testing. Allele origin: germline. Affected: yes.
Comment: Not observed at significant frequency in large population cohorts (gnomAD); In silico analysis supports that this missense variant does not alter protein structure/function; Has not been previously published as pathogenic or benign to our knowledge

Fulgent Genetics
Classification: Uncertain significance for Spermatogenic failure 28; Premature ovarian failure 15. Last evaluated: 2022-02-03. Review status: criteria provided, single submitter. Criteria: ACMG Guidelines, 2015. Collection method: clinical testing. Allele origin: unknown.